The following is an entry in ClinVar:

ClinVar aggregate classification (germline): Uncertain significance (1 of 4 stars; one submission).

Conditions:
Inborn genetic diseases. Identifiers: MedGen C0950123, MeSH D030342.

gnomAD v4.1: 5 of 1,544,128 alleles (0.00032%); highest among the groups gnomAD compares: Non-Finnish European, 0.00043%; no homozygotes.

Submission:

Ambry Genetics
Classification: Uncertain significance for Inborn genetic diseases. Last evaluated: 2024-10-07. Review status: criteria provided, single submitter. Criteria: Ambry Variant Classification Scheme 2023. Collection method: clinical testing. Allele origin: germline.
Comment: The p.R1168L variant (also known as c.3503G>T), located in coding exon 25 of the LTBP3 gene, results from a G to T substitution at nucleotide position 3503. The arginine at codon 1168 is replaced by leucine, an amino acid with dissimilar properties. This amino acid position is conserved. In addition, the in silico prediction for this alteration is inconclusive. Based on the available evidence, the clinical significance of this variant remains unclear.

NM_001130144.3(LTBP3):c.3503G>T (p.Arg1168Leu)

Gene: LTBP3 (latent transforming growth factor beta binding protein 3; minus strand). Cytogenetic location: 11q13.1.
Variant type: single nucleotide variant.
Coding change: c.3503G>T on transcript NM_001130144.3 (MANE Select); coding-DNA position 3503, G replaced by T.
Protein change: p.Arg1168Leu; replaces arginine 1168 with leucine.
Molecular consequence: missense variant.
Genome position (GRCh38, 1-based): chr11:65,539,764, C>A on the plus strand (G>T on the coding strand, the complement: LTBP3 is on the minus strand). VCF-style: chr11-65539764-C-A. GRCh37 (hg19) VCF-style: chr11-65307235-C-A.
Other names: c.3011G>T, p.Arg1004Leu (NM_001164266.1); c.3362G>T, p.Arg1121Leu (NM_021070.4); short protein forms R1004L, R1168L, R1121L.
Identifiers: ClinVar variation 3541080 (VCV003541080.1).
Genomic context (GRCh38, chr11:65,539,764, plus strand): 5'-TCCCCGACTGCCTTACCCGCGCCGCGCGGCGGGCACGGTCGGCATTGGGCGCCCCAGCCG[C>A]GGCCCTGGCGGCAGCAGCAGTCGTCGAAGGTGAGGGCAGGCCCGGCCAGGGGGCCAGCGC-3'
Protein context (NP_001123616.1, residues 1158-1178): TFDDCCCRQG[Arg1168Leu]GWGAQCRPCP